The following is an entry in ClinVar:

ClinVar aggregate classification (germline): Uncertain significance. Review status: criteria provided, multiple submitters, no conflicts (2 of 4 stars). 3 submissions from 3 submitters: Uncertain significance (2). 1 of the submissions does not count toward it. Last evaluated 2025-08-11.

Conditions:
Hereditary cancer-predisposing syndrome. Also called: Neoplastic Syndromes, Hereditary; Hereditary neoplastic syndrome; Tumor predisposition; Hereditary Cancer Syndrome. Identifiers: Orphanet 140162, MedGen C0027672, MeSH D009386, MONDO:0015356.
Bloom syndrome (BLM). Also called: Bloom-Torre-Machacek syndrome. Identifiers: Orphanet 125, MedGen C0005859, MONDO:0008876, OMIM 210900.

Allele frequency attached by ClinVar (database versions not stated): gnomAD exomes below 0.00001.
gnomAD v4.1: 1 of 1,614,164 alleles (0.000062%); highest among the groups gnomAD compares: Non-Finnish European, 0.000085%; no homozygotes.

Submissions (3):

Labcorp Genetics (formerly Invitae), Labcorp
Classification: Uncertain significance for Bloom syndrome. Last evaluated: 2025-08-11. Review status: criteria provided, single submitter. Criteria: Invitae Variant Classification Sherloc (09022015). Collection method: clinical testing. Allele origin: germline.
Comment: This sequence change replaces leucine, which is neutral and non-polar, with valine, which is neutral and non-polar, at codon 1229 of the BLM protein (p.Leu1229Val). This variant is not present in population databases (gnomAD no frequency). This variant has not been reported in the literature in individuals affected with BLM-related conditions. ClinVar contains an entry for this variant (Variation ID: 524804). Invitae Evidence Modeling of protein sequence and biophysical properties (such as structural, functional, and spatial information, amino acid conservation, physicochemical variation, residue mobility, and thermodynamic stability) indicates that this missense variant is expected to disrupt BLM protein function with a positive predictive value of 80%. In summary, the available evidence is currently insufficient to determine the role of this variant in disease. Therefore, it has been classified as a Variant of Uncertain Significance.

Ambry Genetics
Classification: Uncertain significance for Hereditary cancer-predisposing syndrome. Last evaluated: 2024-08-30. Review status: criteria provided, single submitter. Criteria: Ambry Variant Classification Scheme 2023. Collection method: clinical testing. Allele origin: germline.
Comment: The p.L1229V variant (also known as c.3685C>G), located in coding exon 18 of the BLM gene, results from a C to G substitution at nucleotide position 3685. The leucine at codon 1229 is replaced by valine, an amino acid with highly similar properties. This amino acid position is conserved. In addition, the in silico prediction for this alteration is inconclusive. Since supporting evidence is limited at this time, the clinical significance of this alteration remains unclear.

Natera, Inc.
Classification: Uncertain significance for Bloom syndrome. Last evaluated: 2018-12-22. Review status: no assertion criteria provided. Collection method: clinical testing. Allele origin: germline. Not counted in ClinVar's aggregate classification.

NM_000057.4(BLM):c.3685C>G (p.Leu1229Val)

Gene: BLM (BLM RecQ like helicase; plus strand). Cytogenetic location: 15q26.1.
Variant type: single nucleotide variant.
Coding change: c.3685C>G on transcript NM_000057.4 (MANE Select); coding-DNA position 3685, C replaced by G.
Protein change: p.Leu1229Val; replaces leucine 1229 with valine.
Molecular consequence: missense variant. On other transcripts: intron variant (1).
Genome position (GRCh38, 1-based): chr15:90,804,293, C>G. VCF-style: chr15-90804293-C-G. GRCh37 (hg19) VCF-style: chr15-91347523-C-G.
Other names: c.3685C>G, p.Leu1229Val (NM_001287246.2); c.2560C>G, p.Leu854Val (NM_001287248.2); c.3359-4844C>G (NM_001287247.2); c.3685C>G (NM_000057.2); short protein forms L1229V, L854V.
Identifiers: ClinVar variation 524804 (VCV000524804.15), dbSNP rs1555424395, ClinGen allele CA393848164.